The following is an entry in ClinVar:

NM_000044.6(AR):c.545A>C (p.Lys182Thr)

Gene: AR (androgen receptor; plus strand). Cytogenetic location: Xq12.
Variant type: single nucleotide variant.
Coding change: c.545A>C on transcript NM_000044.6 (MANE Select); coding-DNA position 545, A replaced by C.
Protein change: p.Lys182Thr; replaces lysine 182 with threonine.
Molecular consequence: missense variant. On other transcripts: 5 prime UTR variant (1).
Genome position (GRCh38, 1-based): chrX:67,545,691, A>C. VCF-style: chrX-67545691-A-C. GRCh37 (hg19) VCF-style: chrX-66765533-A-C.
Other names: c.-1239A>C (NM_001011645.3); c.545A>C, p.Lys182Thr (NM_001348061.1, NM_001348063.1, NM_001348064.1); short protein forms K182T.
Identifiers: ClinVar variation 3364216 (VCV003364216.1).
Genomic context (GRCh38, chrX:67,545,691, plus strand): 5'-CCACGTTGTCCCTGCTGGGCCCCACTTTCCCCGGCTTAAGCAGCTGCTCCGCTGACCTTA[A>C]AGACATCCTGAGCGAGGCCAGCACCATGCAACTCCTTCAGCAACAGCAGCAGGAAGCAGT-3'
Protein context (NP_000035.2, residues 172-192): PGLSSCSADL[Lys182Thr]DILSEASTMQ

ClinVar aggregate classification (germline): Uncertain significance (1 of 4 stars; one submission).

Submission:

GeneDx
Classification: Uncertain significance. Last evaluated: 2023-11-12. Review status: criteria provided, single submitter. Criteria: GeneDx Variant Classification Process June 2021. Collection method: clinical testing. Allele origin: germline. Affected: yes.
Comment: Not observed at significant frequency in large population cohorts (gnomAD); Missense variants in this gene are a common cause of disease and they are underrepresented in the general population; In silico analysis supports that this missense variant has a deleterious effect on protein structure/function; Has not been previously published as pathogenic or benign to our knowledge